The following is an entry in ClinVar:

NM_005502.4(ABCA1):c.2115+1G>T

Gene: ABCA1 (ATP binding cassette subfamily A member 1; minus strand). Cytogenetic location: 9q31.1.
Variant type: single nucleotide variant.
Coding change: c.2115+1G>T on transcript NM_005502.4 (MANE Select); the canonical splice donor site of the intron after coding-DNA position 2115, G replaced by T.
Molecular consequence: splice donor variant.
Genome position (GRCh38, 1-based): chr9:104,828,915, C>A on the plus strand (G>T on the coding strand, the complement: ABCA1 is on the minus strand). VCF-style: chr9-104828915-C-A. GRCh37 (hg19) VCF-style: chr9-107591196-C-A.
Identifiers: ClinVar variation 3642246 (VCV003642246.2).

ClinVar aggregate classification (germline): Likely pathogenic (1 of 4 stars; one submission).

Submission:

Labcorp Genetics (formerly Invitae), Labcorp
Classification: Likely pathogenic. Last evaluated: 2024-02-20. Review status: criteria provided, single submitter. Criteria: Invitae Variant Classification Sherloc (09022015). Collection method: clinical testing. Allele origin: germline.
Comment: This sequence change affects a donor splice site in intron 15 of the ABCA1 gene. It is expected to disrupt RNA splicing. Variants that disrupt the donor or acceptor splice site typically lead to a loss of protein function (PMID: 16199547), and loss-of-function variants in ABCA1 are known to be pathogenic (PMID: 10525055, 10760292, 20880529). This variant is not present in population databases (gnomAD no frequency). This variant has not been reported in the literature in individuals affected with ABCA1-related conditions. Algorithms developed to predict the effect of sequence changes on RNA splicing suggest that this variant may disrupt the consensus splice site. In summary, the currently available evidence indicates that the variant is pathogenic, but additional data are needed to prove that conclusively. Therefore, this variant has been classified as Likely Pathogenic.

Literature cited by the submitters: PubMed 16199547; PubMed 10525055; PubMed 10760292; PubMed 20880529.